The following is an entry in ClinVar:

NM_000059.4(BRCA2):c.2629C>A (p.Pro877Thr)

Gene: BRCA2 (BRCA2 DNA repair associated; plus strand). Cytogenetic location: 13q13.1.
Variant type: single nucleotide variant.
Coding change: c.2629C>A on transcript NM_000059.4 (MANE Select); coding-DNA position 2629, C replaced by A.
Protein change: p.Pro877Thr; replaces proline 877 with threonine.
Molecular consequence: missense variant.
Genome position (GRCh38, 1-based): chr13:32,336,984, C>A. VCF-style: chr13-32336984-C-A. GRCh37 (hg19) VCF-style: chr13-32911121-C-A.
Other names: short protein forms P877T.
Identifiers: ClinVar variation 230304 (VCV000230304.12), dbSNP rs80358524, ClinGen allele CA10579543.

ClinVar aggregate classification (germline): Conflicting classifications of pathogenicity. Review status: criteria provided, conflicting classifications (1 of 4 stars). 4 submissions from 4 submitters: Uncertain significance (3); Likely benign (1). Last evaluated 2026-01-13.

Conditions:
Hereditary cancer-predisposing syndrome. Also called: Hereditary neoplastic syndrome; Hereditary Cancer Syndrome; Neoplastic Syndromes, Hereditary; Tumor predisposition. Identifiers: Orphanet 140162, MedGen C0027672, MeSH D009386, MONDO:0015356.
Hereditary breast ovarian cancer syndrome. Also called: Hereditary breast and ovarian cancer syndrome; Hereditary breast and ovarian cancer syndrome (HBOC); Breast and ovarian cancer; Hereditary breast and/or ovarian cancer syndrome; Hereditary breast and ovarian cancer; BRCA1- and BRCA2-Associated Hereditary Breast and Ovarian Cancer. Identifiers: Orphanet 145, MedGen C0677776, MeSH D061325, MONDO:0003582. Disease mechanism: loss of function.

gnomAD v4.1: 2 of 1,587,954 alleles (0.00013%); highest among the groups gnomAD compares: Non-Finnish European, 0.00017%; no homozygotes.

Submissions (4):

Labcorp Genetics (formerly Invitae), Labcorp
Classification: Uncertain significance for Hereditary breast ovarian cancer syndrome. Last evaluated: 2026-01-13. Review status: criteria provided, single submitter. Criteria: Invitae Variant Classification Sherloc (09022015). Collection method: clinical testing. Allele origin: germline.
Comment: This sequence change replaces proline, which is neutral and non-polar, with threonine, which is neutral and polar, at codon 877 of the BRCA2 protein (p.Pro877Thr). This variant is not present in population databases (gnomAD no frequency). This variant has not been reported in the literature in individuals affected with BRCA2-related conditions. ClinVar contains an entry for this variant (Variation ID: 230304). Invitae Evidence Modeling of protein sequence and biophysical properties (such as structural, functional, and spatial information, amino acid conservation, physicochemical variation, residue mobility, and thermodynamic stability) indicates that this missense variant is not expected to disrupt BRCA2 protein function with a negative predictive value of 95%. In summary, the available evidence is currently insufficient to determine the role of this variant in disease. Therefore, it has been classified as a Variant of Uncertain Significance.

Color Diagnostics, LLC DBA Color Health
Classification: Uncertain significance for Hereditary cancer-predisposing syndrome. Last evaluated: 2024-06-20. Review status: criteria provided, single submitter. Criteria: ACMG Guidelines, 2015. Collection method: clinical testing. Allele origin: germline.
Comment: This missense variant replaces proline with threonine at codon 877 of the BRCA2 protein. Computational prediction suggests that this variant may not impact protein structure and function. To our knowledge, functional studies have not been reported for this variant. This variant has not been reported in individuals affected with BRCA2-related disorders in the literature. This variant has not been identified in the general population by the Genome Aggregation Database (gnomAD). The available evidence is insufficient to determine the role of this variant in disease conclusively. Therefore, this variant is classified as a Variant of Uncertain Significance.

Ambry Genetics
Classification: Uncertain significance for Hereditary cancer-predisposing syndrome. Last evaluated: 2023-04-06. Review status: criteria provided, single submitter. Criteria: Ambry Variant Classification Scheme 2023. Collection method: clinical testing. Allele origin: germline.
Comment: The p.P877T variant (also known as c.2629C>A), located in coding exon 10 of the BRCA2 gene, results from a C to A substitution at nucleotide position 2629. The proline at codon 877 is replaced by threonine, an amino acid with highly similar properties. This variant was not reported in population based cohorts in the following databases: Database of Single Nucleotide Polymorphisms (dbSNP), NHLBI Exome Sequencing Project (ESP), and 1000 Genomes Project. In the ESP, this variant was not observed in 6501 samples (13002 alleles) with coverage at this position. To date, this alteration has been detected with an allele frequency of approximately 0.0007% (greater than 300000 alleles tested) in our clinical cohort. Based on protein sequence alignment, this amino acid position is poorly conserved in available vertebrate species. In addition, this alteration is predicted to be tolerated by in silico analysis. Since supporting evidence is limited at this time, the clinical significance of p.P877T remains unclear.

University of Washington Department of Laboratory Medicine, University of Washington
Classification: Likely benign for Hereditary cancer-predisposing syndrome. Last evaluated: 2023-03-23. Review status: criteria provided, single submitter. Criteria: Dines et al. (Genet Med. 2020). Collection method: curation. Allele origin: germline.
Comment: Missense variant in a coldspot region where missense variants are very unlikely to be pathogenic (PMID:31911673).

BRCA2 exon 11 coldspot. Reclassification based on statistical prior probability.